The following is an entry in ClinVar:

NM_001365951.3(KIF1B):c.328A>G (p.Lys110Glu)

Gene: KIF1B (kinesin family member 1B; plus strand). Cytogenetic location: 1p36.22.
Variant type: single nucleotide variant.
Coding change: c.328A>G on transcript NM_001365951.3 (MANE Select); coding-DNA position 328, A replaced by G.
Protein change: p.Lys110Glu; replaces lysine 110 with glutamic acid.
Molecular consequence: missense variant.
Genome position (GRCh38, 1-based): chr1:10,258,637, A>G. VCF-style: chr1-10258637-A-G. GRCh37 (hg19) VCF-style: chr1-10318695-A-G.
Other names: c.328A>G, p.Lys110Glu (NM_001365952.1, NM_001365953.1, NM_015074.3 and 1 more transcripts); short protein forms K110E.
Identifiers: ClinVar variation 4841885 (VCV004841885.1).

ClinVar aggregate classification (germline): Uncertain significance (1 of 4 stars; one submission).

Submission:

Ambry Genetics
Classification: Uncertain significance. Last evaluated: 2026-01-03. Review status: criteria provided, single submitter. Criteria: Ambry Variant Classification Scheme 2023. Collection method: clinical testing. Allele origin: germline.
Comment: The p.K110E variant (also known as c.328A>G), located in coding exon 3 of the KIF1B gene, results from an A to G substitution at nucleotide position 328. The lysine at codon 110 is replaced by glutamic acid, an amino acid with similar properties. This amino acid position is conserved. In addition, the in silico prediction for this alteration is inconclusive. Based on the available evidence, the clinical significance of this variant remains unclear.